The following is an entry in ClinVar:

NM_139058.3(ARX):c.596C>A (p.Thr199Lys)

Gene: ARX (aristaless related homeobox; minus strand). Cytogenetic location: Xp21.3.
Variant type: single nucleotide variant.
Coding change: c.596C>A on transcript NM_139058.3 (MANE Select); coding-DNA position 596, C replaced by A.
Protein change: p.Thr199Lys; replaces threonine 199 with lysine.
Molecular consequence: missense variant.
Genome position (GRCh38, 1-based): chrX:25,013,399, G>T on the plus strand (C>A on the coding strand, the complement: ARX is on the minus strand). VCF-style: chrX-25013399-G-T. GRCh37 (hg19) VCF-style: chrX-25031516-G-T.
Other names: short protein forms T199K.
Identifiers: ClinVar variation 2190034 (VCV002190034.5), dbSNP rs1268774120, ClinGen allele CA412612842.
Genomic context (GRCh38, chrX:25,013,399, plus strand): 5'-CCACCCGCAGCCGGGGCGCTGCCCGGGCCGCCGGCCACGCCGAGGCGCTCCTCCGGGTGC[G>T]TGACGCCCCCCGGGCCGCCCAGCTCGTCCAGCGCGGGCGGCGGCGGCACGAAGGGCGCCC-3'
Protein context (NP_620689.1, residues 189-209): LDELGGPGGV[Thr199Lys]HPEERLGVAG

ClinVar aggregate classification (germline): Uncertain significance. Review status: criteria provided, multiple submitters, no conflicts (2 of 4 stars). 3 submissions from 3 submitters: Uncertain significance (3). Last evaluated 2023-06-22.

Conditions:
Developmental and epileptic encephalopathy, 1 (DEE1). Also called: INFANTILE SPASM SYNDROME, X-LINKED 1; X-linked infantile spasms; West's syndrome; Tonic spasms with clustering, arrest of psychomotor development and hypsarrhythmia on EEG; X-Linked Infantile Spasm Syndrome; OHTAHARA SYNDROME, X-LINKED. Identifiers: MedGen C3463992, MONDO:0010632, OMIM 308350. Disease mechanism: loss of function.
Intellectual disability, X-linked, with or without seizures, ARX-related. Also called: MENTAL RETARDATION, X-LINKED 29; MENTAL RETARDATION, X-LINKED 32; MENTAL RETARDATION, X-LINKED 33; MENTAL RETARDATION, X-LINKED 38; MENTAL RETARDATION, X-LINKED 43; MENTAL RETARDATION, X-LINKED 76. Identifiers: Orphanet 777, MedGen C0796244, MONDO:0010317, OMIM 300419.

gnomAD v4.1: 4 of 1,079,011 alleles (0.00037%); highest among the groups gnomAD compares: South Asian, 0.0024%; no homozygotes.

Submissions (3):

Neuberg Centre For Genomic Medicine, NCGM
Classification: Uncertain significance for Developmental and epileptic encephalopathy, 1. Last evaluated: 2023-06-22. Review status: criteria provided, single submitter. Criteria: ACMG Guidelines, 2015. Collection method: clinical testing. Allele origin: germline. Inheritance: Autosomal dominant inheritance. Affected: yes.
Comment: The missense variant c.596C>A (p.Thr199Lys) in the ARX gene has not been reported previously as a pathogenic variant nor as a benign variant, to our knowledge. This variant is reported with the allele frequency (0.005%) in the gnomAD Exomes. This variant has been reported to the ClinVar database as Uncertain Significance. However, no details are available for independent assessment. The amino acid Thr at position 199 is changed to a Lys changing protein sequence and it might alter its composition and physico-chemical properties. Computational evidence (Polyphen, SIFT and MutationTaster) predicts conflicting evidence on protein structure and function for this variant. The amino acid change p.Thr199Lys in ARX is predicted as conserved by GERP++. For these reasons, this variant has been classified as Uncertain Significance

Labcorp Genetics (formerly Invitae), Labcorp
Classification: Uncertain significance for Developmental and epileptic encephalopathy, 1; Intellectual disability, X-linked, with or without seizures, ARX-related. Last evaluated: 2022-03-26. Review status: criteria provided, single submitter. Criteria: Invitae Variant Classification Sherloc (09022015). Collection method: clinical testing. Allele origin: germline.
Comment: This sequence change replaces threonine, which is neutral and polar, with lysine, which is basic and polar, at codon 199 of the ARX protein (p.Thr199Lys). This variant is present in population databases (no rsID available, gnomAD 0.04%). This variant has not been reported in the literature in individuals affected with ARX-related conditions. Advanced modeling of protein sequence and biophysical properties (such as structural, functional, and spatial information, amino acid conservation, physicochemical variation, residue mobility, and thermodynamic stability) performed at Invitae indicates that this missense variant is not expected to disrupt ARX protein function. In summary, the available evidence is currently insufficient to determine the role of this variant in disease. Therefore, it has been classified as a Variant of Uncertain Significance.

Revvity Omics, Revvity
Classification: Uncertain significance. Last evaluated: 2021-03-15. Review status: criteria provided, single submitter. Criteria: ACMG Guidelines, 2015. Collection method: clinical testing. Allele origin: germline.